The following is an entry in ClinVar:

ClinVar aggregate classification (germline): Uncertain significance (1 of 4 stars; one submission).

Conditions:
Peripheral neuropathy, autosomal recessive, with or without impaired intellectual development. Identifiers: MedGen C4748283, MONDO:0029131, OMIM 618124.

Allele frequency attached by ClinVar (database versions not stated): gnomAD exomes below 0.00001; ExAC 0.00001; gnomAD 0.00001.
gnomAD v4.1: 7 of 1,612,966 alleles (0.00043%); highest among the groups gnomAD compares: East Asian, 0.0022%; no homozygotes.

Submission:

Baylor Genetics
Classification: Uncertain significance for Peripheral neuropathy, autosomal recessive, with or without impaired intellectual development. Last evaluated: 2019-07-31. Review status: criteria provided, single submitter. Criteria: ACMG Guidelines, 2015. Collection method: clinical testing. Allele origin: unknown. Affected: yes.
Comment: This variant was determined to be of uncertain significance according to ACMG Guidelines, 2015 [PMID:25741868].

NM_003906.5(MCM3AP):c.2632C>T (p.Arg878Cys)

Gene: MCM3AP (minichromosome maintenance complex component 3 associated protein; minus strand). Cytogenetic location: 21q22.3.
Variant type: single nucleotide variant.
Coding change: c.2632C>T on transcript NM_003906.5 (MANE Select); coding-DNA position 2632, C replaced by T.
Protein change: p.Arg878Cys; replaces arginine 878 with cysteine.
Molecular consequence: missense variant.
Genome position (GRCh38, 1-based): chr21:46,267,139, G>A on the plus strand (C>T on the coding strand, the complement: MCM3AP is on the minus strand). VCF-style: chr21-46267139-G-A. GRCh37 (hg19) VCF-style: chr21-47687053-G-A.
Other names: short protein forms R878C.
Identifiers: ClinVar variation 1028171 (VCV001028171.1), dbSNP rs781643957, ClinGen allele CA10076780.